The following is an entry in ClinVar:

NM_004725.4(BUB3):c.266-7T>C

Gene: BUB3 (BUB3 mitotic checkpoint protein; plus strand). Cytogenetic location: 10q26.13.
Variant type: single nucleotide variant.
Coding change: c.266-7T>C on transcript NM_004725.4 (MANE Select); 7 bases into the intron before coding-DNA position 266, T replaced by C.
Molecular consequence: intron variant.
Genome position (GRCh38, 1-based): chr10:123,157,722, T>C. VCF-style: chr10-123157722-T-C. GRCh37 (hg19) VCF-style: chr10-124917238-T-C.
Other names: c.266-7T>C (NM_001007793.3).
Identifiers: ClinVar variation 3059802 (VCV003059802.2), dbSNP rs2304550, ClinGen allele CA5731562.

ClinVar aggregate classification (germline): Benign (0 of 4 stars; one submission).

Conditions:
BUB3-related disorder. Also called: BUB3-related condition.

Allele frequency attached by ClinVar (database versions not stated): gnomAD exomes 0.13867; ExAC 0.16675; ESP Exome Variant Server 0.18307; gnomAD 0.18620; TOPMed 0.19887; 1000 Genomes Project 0.24062.
gnomAD v4.1: 223,998 of 1,555,248 alleles (14%); highest among the groups gnomAD compares: East Asian, 35%; 18,803 homozygotes.

Submission:

PreventionGenetics, part of Exact Sciences
Classification: Benign for BUB3-related condition. Last evaluated: 2019-11-12. Review status: no assertion criteria provided. Collection method: clinical testing. Allele origin: germline.
Comment: This variant is classified as benign based on ACMG/AMP sequence variant interpretation guidelines (Richards et al. 2015 PMID: 25741868, with internal and published modifications).